The following is an entry in ClinVar:

NM_152618.3(BBS12):c.994C>G (p.Pro332Ala)

Gene: BBS12 (Bardet-Biedl syndrome 12; plus strand). Cytogenetic location: 4q27.
Variant type: single nucleotide variant.
Coding change: c.994C>G on transcript NM_152618.3 (MANE Select); coding-DNA position 994, C replaced by G.
Protein change: p.Pro332Ala; replaces proline 332 with alanine.
Molecular consequence: missense variant.
Genome position (GRCh38, 1-based): chr4:122,742,886, C>G. VCF-style: chr4-122742886-C-G. GRCh37 (hg19) VCF-style: chr4-123664041-C-G.
Other names: c.994C>G, p.Pro332Ala (NM_001178007.2); short protein forms P332A.
Identifiers: ClinVar variation 1970911 (VCV001970911.5), dbSNP rs764746694, ClinGen allele CA3069357.
Genomic context (GRCh38, chr4:122,742,886, plus strand): 5'-ATTTCAAGAATTTTCACTTGCTGTCTACCAGGCTTACCTGAAACTTCTTCTTGTGTTTGT[C>G]CAGGATATATCACTGTTGTGTCAGTATCTAATAATCCTGTGATCAAGGAATTGCAGAATC-3'
Protein context (NP_689831.2, residues 322-342): GLPETSSCVC[Pro332Ala]GYITVVSVSN

ClinVar aggregate classification (germline): Uncertain significance (1 of 4 stars; one submission).

Conditions:
Bardet-Biedl syndrome (BBS). Identifiers: Orphanet 110, MedGen C0752166, MONDO:0015229.

Allele frequency attached by ClinVar (database versions not stated): gnomAD exomes below 0.00001; ExAC 0.00001.
gnomAD v4.1: 2 of 1,614,202 alleles (0.00012%); highest among the groups gnomAD compares: Admixed American, 0.0033%; no homozygotes.

Submission:

Labcorp Genetics (formerly Invitae), Labcorp
Classification: Uncertain significance for Bardet-Biedl syndrome. Last evaluated: 2022-08-05. Review status: criteria provided, single submitter. Criteria: Invitae Variant Classification Sherloc (09022015). Collection method: clinical testing. Allele origin: germline.
Comment: In summary, the available evidence is currently insufficient to determine the role of this variant in disease. Therefore, it has been classified as a Variant of Uncertain Significance. Algorithms developed to predict the effect of missense changes on protein structure and function are either unavailable or do not agree on the potential impact of this missense change (SIFT: "Tolerated"; PolyPhen-2: "Possibly Damaging"; Align-GVGD: "Class C0"). This variant has not been reported in the literature in individuals affected with BBS12-related conditions. This variant is present in population databases (rs764746694, gnomAD 0.003%). This sequence change replaces proline, which is neutral and non-polar, with alanine, which is neutral and non-polar, at codon 332 of the BBS12 protein (p.Pro332Ala).